The following is an entry in ClinVar:

ClinVar aggregate classification (germline): Uncertain significance. Review status: criteria provided, multiple submitters, no conflicts (2 of 4 stars). 2 submissions from 2 submitters: Uncertain significance (2). Last evaluated 2022-05-27.

Allele frequency attached by ClinVar (database versions not stated): gnomAD exomes below 0.00001; TOPMed below 0.00001.

Submissions (2):

Clinical Genetics Laboratory, Skane University Hospital Lund
Classification: Uncertain significance. Last evaluated: 2022-05-27. Review status: criteria provided, single submitter. Criteria: ACMG Guidelines, 2015. Collection method: clinical testing. Allele origin: germline. Affected: yes.

Labcorp Genetics (formerly Invitae), Labcorp
Classification: Uncertain significance. Last evaluated: 2021-10-06. Review status: criteria provided, single submitter. Criteria: Invitae Variant Classification Sherloc (09022015). Collection method: clinical testing. Allele origin: germline.
Comment: In summary, the available evidence is currently insufficient to determine the role of this variant in disease. Therefore, it has been classified as a Variant of Uncertain Significance. Algorithms developed to predict the effect of missense changes on protein structure and function are either unavailable or do not agree on the potential impact of this missense change (SIFT: "Tolerated"; PolyPhen-2: "Possibly Damaging"; Align-GVGD: "Class C0"). This variant has not been reported in the literature in individuals affected with CLCN6-related conditions. This variant is not present in population databases (ExAC no frequency). This sequence change replaces cysteine with serine at codon 125 of the CLCN6 protein (p.Cys125Ser). The cysteine residue is highly conserved and there is a moderate physicochemical difference between cysteine and serine.

NM_001286.5(CLCN6):c.374G>C (p.Cys125Ser)

Gene: CLCN6 (chloride voltage-gated channel 6; plus strand). Cytogenetic location: 1p36.22.
Variant type: single nucleotide variant.
Coding change: c.374G>C on transcript NM_001286.5 (MANE Select); coding-DNA position 374, G replaced by C.
Protein change: p.Cys125Ser; replaces cysteine 125 with serine.
Molecular consequence: missense variant. On other transcripts: non-coding transcript variant (1).
Genome position (GRCh38, 1-based): chr1:11,822,722, G>C. VCF-style: chr1-11822722-G-C. GRCh37 (hg19) VCF-style: chr1-11882779-G-C.
Other names: c.308G>C, p.Cys103Ser (NM_001256959.2); short protein forms C125S, C103S.
Identifiers: ClinVar variation 1384997 (VCV001384997.7), dbSNP rs1183849873, ClinGen allele CA338427191.